The following is an entry in ClinVar:

ClinVar aggregate classification (germline): Uncertain significance (1 of 4 stars; one submission).

Submission:

Labcorp Genetics (formerly Invitae), Labcorp
Classification: Uncertain significance. Last evaluated: 2023-08-22. Review status: criteria provided, single submitter. Criteria: Invitae Variant Classification Sherloc (09022015). Collection method: clinical testing. Allele origin: germline.
Comment: In summary, the available evidence is currently insufficient to determine the role of this variant in disease. Therefore, it has been classified as a Variant of Uncertain Significance. Algorithms developed to predict the effect of sequence changes on RNA splicing suggest that this variant may disrupt the consensus splice site. This variant has not been reported in the literature in individuals affected with KIAA1549-related conditions. This variant is present in population databases (no rsID available, gnomAD 0.006%). This variant, c.5631_5633del, results in the deletion of 1 amino acid(s) of the KIAA1549 protein (p.Ser1878del), but otherwise preserves the integrity of the reading frame.

NM_001164665.2(KIAA1549):c.5625TTC[2] (p.Ser1878del)

Gene: KIAA1549 (KIAA1549; minus strand). Cytogenetic location: 7q34.
Variant type: Microsatellite.
Coding change: c.5625TTC[2] on transcript NM_001164665.2 (MANE Select); two copies in a row of the 3-base unit TTC starting at c.5625; the reference has three copies in a row; one copy, 3 bases deleted.
Protein change: p.Ser1878del; deletes serine 1878.
Molecular consequence: inframe deletion. On other transcripts: intron variant (1).
Genome position (GRCh38, 1-based): chr7:138,838,126-138,838,128, GAA deleted on the plus strand (TTC on the coding strand, the reverse complement: KIAA1549 is on the minus strand); deleting any 3 consecutive bases within chr7:138,838,126-138,838,134 gives the same sequence; the position shown is the placement nearest the transcript's 3' end. VCF-style (leftmost placement, unchanged base first): chr7-138838125-TGAA-T. GRCh37 (hg19) VCF-style: chr7-138522870-TGAA-T.
Other names: c.5599-22TTC[2] (NM_020910.3); short protein forms S1878del.
Identifiers: ClinVar variation 2724606 (VCV002724606.3), dbSNP rs1245077716, ClinGen allele CA578622092.
Genomic context (GRCh38, chr7:138,838,125, plus strand): 5'-GAGGTTCCCGGAAGGAGCTGAGGGCTCCCTGCCTGAAGTCCTTGGCACCTGAAATAGCGG[TGAA>T]GAAGAATACTCTTGATGTCCGAGCATGTGTGTCTGAAAAACATGGCAAACGTCACTGTAC-3'